The following is an entry in ClinVar:

NM_001289125.3(IFNAR2):c.157T>C (p.Ser53Pro)

Genes: IFNAR2 (interferon alpha and beta receptor subunit 2; plus strand), IFNAR2-IL10RB (IFNAR2-IL10RB readthrough; plus strand). Cytogenetic location: 21q22.11.
Variant type: single nucleotide variant.
Coding change: c.157T>C on transcript NM_001289125.3 (MANE Select); coding-DNA position 157, T replaced by C.
Protein change: p.Ser53Pro; replaces serine 53 with proline.
Molecular consequence: missense variant.
Genome position (GRCh38, 1-based): chr21:33,245,010, T>C. VCF-style: chr21-33245010-T-C. GRCh37 (hg19) VCF-style: chr21-34617315-T-C.
Other names: c.157T>C, p.Ser53Pro (NM_000874.5, NM_001289126.2, NM_001289128.2 and 4 more transcripts); short protein forms S53P.
Identifiers: ClinVar variation 994273 (VCV000994273.18), dbSNP rs1987287426, ClinGen allele CA410095635.
Genomic context (GRCh38, chr21:33,245,010, plus strand): 5'-GATTACACAGATGAATCTTGCACTTTCAAGATATCATTGCGAAATTTCCGGTCCATCTTA[T>C]CATGGGAATTAAAAAACCACTCCATTGTACCAACTCACTATACATTGCTGTATACAATCA-3'
Protein context (NP_001276054.1, residues 43-63): ISLRNFRSIL[Ser53Pro]WELKNHSIVP

ClinVar aggregate classification (germline): Conflicting classifications of pathogenicity. Review status: criteria provided, conflicting classifications (1 of 4 stars). 5 submissions from 5 submitters: Pathogenic (1); Likely pathogenic (2); Uncertain significance (1). 1 of the submissions does not count toward it. Last evaluated 2026-04-03.

Conditions:
IFNAR2-related disorders.
Immunodeficiency 45 (IMD45). Identifiers: MedGen C4225252, MONDO:0014727, OMIM 616669.

Allele frequency attached by ClinVar (database versions not stated): gnomAD exomes below 0.00001.
gnomAD v4.1: 2 of 1,610,018 alleles (0.00012%); no homozygotes.

Submissions (5):

Women's Health and Genetics/Laboratory Corporation of America, LabCorp
Classification: Pathogenic for Immunodeficiency 45. Last evaluated: 2026-04-03. Review status: criteria provided, single submitter. Criteria: LabCorp Variant Classification Summary - May 2015. Collection method: clinical testing. Allele origin: germline.
Comment: Variant summary: IFNAR2 c.157T>C (p.Ser53Pro) results in a non-conservative amino acid change in the encoded protein sequence. Algorithms developed to predict the effect of missense changes on protein structure and function are either unavailable or do not agree on the potential impact of this missense change. The variant was absent in 251362 control chromosomes (gnomAD). c.157T>C has been observed in multiple individuals affected with clinical features of IFNAR2 deficiency and this variant segregated with the disease (Duncan_2022, Pekeles_2022). These data indicate that the variant is very likely to be associated with disease. At least one publication reports experimental evidence evaluating an impact on protein function and this variant affects IFNAR2 protein function (Duncan_2022). The following publications have been ascertained in the context of this evaluation (PMID: 35442417, 35944424). ClinVar contains an entry for this variant (Variation ID: 994273). Based on the evidence outlined above, the variant was classified as pathogenic.

Labcorp Genetics (formerly Invitae), Labcorp
Classification: Likely pathogenic. Last evaluated: 2025-07-16. Review status: criteria provided, single submitter. Criteria: Invitae Variant Classification Sherloc (09022015). Collection method: clinical testing. Allele origin: germline.
Comment: This sequence change replaces serine, which is neutral and polar, with proline, which is neutral and non-polar, at codon 53 of the IFNAR2 protein (p.Ser53Pro). This variant is not present in population databases (gnomAD no frequency). This missense change has been observed in individual(s) with IFNAR2-related conditions (PMID: 35442417). It has also been observed to segregate with disease in related individuals. ClinVar contains an entry for this variant (Variation ID: 994273). An algorithm developed to predict the effect of missense changes on protein structure and function (PolyPhen-2) suggests that this variant is likely to be disruptive. Experimental studies have shown that this missense change affects IFNAR2 function (PMID: 35442417). In summary, the currently available evidence indicates that the variant is pathogenic, but additional data are needed to prove that conclusively. Therefore, this variant has been classified as Likely Pathogenic.

Blueprint Genetics
Classification: Likely pathogenic for IFNAR2-related disorders. Last evaluated: 2024-08-30. Review status: criteria provided, single submitter. Criteria: ACMG Guidelines, 2015. Collection method: clinical testing. Allele origin: germline. Affected: yes. Observed: 5 variant alleles.

ARUP Laboratories, Molecular Genetics and Genomics, ARUP Laboratories
Classification: Uncertain significance. Last evaluated: 2020-04-03. Review status: criteria provided, single submitter. Criteria: ARUP Molecular Germline Variant Investigation Process. Collection method: clinical testing. Allele origin: germline.

OMIM
Classification: Pathogenic for IMMUNODEFICIENCY 45. Last evaluated: 2024-03-01. Review status: no assertion criteria provided. Collection method: literature only. Allele origin: germline. Not counted in ClinVar's aggregate classification.

Literature cited by the submitters: PubMed 35442417 (cited by 3 submitters); PubMed 35944424 (cited by Women's Health and Genetics/Laboratory Corporation of America, LabCorp).